The following is an entry in ClinVar:

ClinVar aggregate classification (germline): Pathogenic (1 of 4 stars; one submission).

Submission:

GeneDx
Classification: Pathogenic. Last evaluated: 2016-11-22. Review status: criteria provided, single submitter. Criteria: GeneDx Variant Classification (06012015). Collection method: clinical testing. Allele origin: germline. Affected: yes.
Comment: The Q790X variant in the CASK gene has not been reported previously as a pathogenic variant nor as a benign variant, to our knowledge. This variant is predicted to cause loss of normal protein function either through protein truncation or nonsense-mediated mRNA decay. The Q790X variant was not observed in approximately 6500 individuals of European and African American ancestry in the NHLBI Exome Sequencing Project, indicating it is not a common benign variant in these populations. We interpret Q790X as a pathogenic variant,

NM_001367721.1(CASK):c.2383C>T (p.Gln795Ter)

Gene: CASK (calcium/calmodulin dependent serine protein kinase; minus strand). Cytogenetic location: Xp11.4.
Variant type: single nucleotide variant.
Coding change: c.2383C>T on transcript NM_001367721.1 (MANE Select); coding-DNA position 2383, C replaced by T.
Protein change: p.Gln795Ter; replaces glutamine 795 with a stop codon.
Molecular consequence: nonsense.
Genome position (GRCh38, 1-based): chrX:41,531,144, G>A on the plus strand (C>T on the coding strand, the complement: CASK is on the minus strand). VCF-style: chrX-41531144-G-A. GRCh37 (hg19) VCF-style: chrX-41390397-G-A.
Other names: c.2299C>T, p.Gln767Ter (NM_001126054.3); c.2296C>T, p.Gln766Ter (NM_001126055.3); c.2365C>T, p.Gln789Ter (NM_001410745.1); c.2368C>T, p.Gln790Ter (NM_003688.4); short protein forms Q790*, Q767*, Q766*, Q795*, Q789*.
Identifiers: ClinVar variation 373139 (VCV000373139.2), dbSNP rs1057518245, ClinGen allele CA16043270.